The following is an entry in ClinVar:

ClinVar aggregate classification (germline): Benign/Likely benign. Review status: criteria provided, multiple submitters, no conflicts (2 of 4 stars). 7 submissions from 7 submitters: Benign (1); Likely benign (4). 2 of the submissions do not count toward it. Last evaluated 2024-11-21.

Conditions:
Breast-ovarian cancer, familial, susceptibility to, 5 (BROVCA5). Identifiers: MedGen C5830615, MONDO:0957530, OMIM 620442.
Hereditary cancer-predisposing syndrome. Also called: Hereditary Cancer Syndrome; Tumor predisposition; Neoplastic Syndromes, Hereditary; Hereditary neoplastic syndrome. Identifiers: Orphanet 140162, MedGen C0027672, MeSH D009386, MONDO:0015356.
Familial cancer of breast. Also called: BREAST CANCER, FAMILIAL; Hereditary breast cancer; hereditary breast carcinoma. Identifiers: Orphanet 227535, MedGen C0346153, MONDO:0016419, OMIM 114480. Disease mechanism: loss of function.

Submissions (7):

Dasa
Classification: Likely benign for Breast-ovarian cancer, familial, susceptibility to, 5. Last evaluated: 2024-11-21. Review status: criteria provided, single submitter. Criteria: DASA Assertion Criteria. Collection method: clinical testing. Allele origin: germline.
Comment: NM_024675.4(PALB2):c.999C>T (p.Thr333=) is a synonymous variant predicted not to alter the encoded amino acid sequence. The variant context is inconsistent with a known disease-causing mechanism. Computational prediction algorithms are consistent with a benign effect. Therefore, based on the currently available evidence, this variant is classified as likely benign.

Myriad Genetics, Inc.
Classification: Benign for Familial cancer of breast. Last evaluated: 2023-03-31. Review status: criteria provided, single submitter. Criteria: Myriad Autosomal Dominant, Autosomal Recessive and X-Linked Classification Criteria (2023). Collection method: clinical testing. Allele origin: unknown.
Comment: This variant is considered benign. This variant is a silent/synonymous amino acid change and it is not expected to impact splicing.

Labcorp Genetics (formerly Invitae), Labcorp
Classification: Likely benign for Familial cancer of breast. Last evaluated: 2023-03-19. Review status: criteria provided, single submitter. Criteria: Invitae Variant Classification Sherloc (09022015). Collection method: clinical testing. Allele origin: germline.

Ambry Genetics
Classification: Likely benign for Hereditary cancer-predisposing syndrome. Last evaluated: 2022-11-06. Review status: criteria provided, single submitter. Criteria: Ambry Variant Classification Scheme 2023. Collection method: clinical testing. Allele origin: germline.

Color Diagnostics, LLC DBA Color Health
Classification: Likely benign for Hereditary cancer-predisposing syndrome. Last evaluated: 2020-09-29. Review status: criteria provided, single submitter. Criteria: ACMG Guidelines, 2015. Collection method: clinical testing. Allele origin: germline.

Leiden Open Variation Database
Classification: Benign for Familial cancer of breast. Last evaluated: 2019-05-13. Review status: no assertion criteria provided. Collection method: curation. Allele origin: germline. Affected: yes. Not counted in ClinVar's aggregate classification.
Comment: Curators: Marc Tischkowitz, Arleen D. Auerbach. Submitter to LOVD: Marc Tischkowitz.

Counsyl
Classification: Likely benign for Familial cancer of breast. Last evaluated: 2018-04-02. Review status: no assertion criteria provided. Collection method: clinical testing. Allele origin: unknown. Not counted in ClinVar's aggregate classification.

Literature cited by the submitters: PubMed 18302019 (cited by Leiden Open Variation Database and Counsyl).

NM_024675.4(PALB2):c.999C>T (p.Thr333=)

Gene: PALB2 (partner and localizer of BRCA2; minus strand). Cytogenetic location: 16p12.2.
Variant type: single nucleotide variant.
Coding change: c.999C>T on transcript NM_024675.4 (MANE Select); coding-DNA position 999, C replaced by T.
Protein change: p.Thr333=; no amino-acid change (threonine 333 retained).
Molecular consequence: synonymous variant.
Genome position (GRCh38, 1-based): chr16:23,635,547, G>A on the plus strand (C>T on the coding strand, the complement: PALB2 is on the minus strand). VCF-style: chr16-23635547-G-A. GRCh37 (hg19) VCF-style: chr16-23646868-G-A.
Identifiers: ClinVar variation 126783 (VCV000126783.19), dbSNP rs180177096, ClinGen allele CA269669.